The following is an entry in ClinVar:

NM_000142.5(FGFR3):c.2316G>A (p.Pro772=)

Gene: FGFR3 (fibroblast growth factor receptor 3; plus strand). Cytogenetic location: 4p16.3.
Variant type: single nucleotide variant.
Coding change: c.2316G>A on transcript NM_000142.5 (MANE Select); coding-DNA position 2316, G replaced by A.
Protein change: p.Pro772=; no amino-acid change (proline 772 retained).
Molecular consequence: synonymous variant. On other transcripts: missense variant (1), non-coding transcript variant (1).
Genome position (GRCh38, 1-based): chr4:1,807,157, G>A. VCF-style: chr4-1807157-G-A. GRCh37 (hg19) VCF-style: chr4-1808884-G-A.
Other names: c.2322G>A, p.Pro774= (NM_001163213.2); c.2319G>A, p.Pro773= (NM_001354809.2); c.2248G>A, p.Gly750Arg (NM_001354810.2); c.1980G>A, p.Pro660= (NM_022965.4); short protein forms G750R.
Identifiers: ClinVar variation 715119 (VCV000715119.33), dbSNP rs200629304, ClinGen allele CA2810836.
Genomic context (GRCh38, chr4:1,807,157, plus strand): 5'-CCCCGCCTCCCGCCAGCAGGAGTACCTGGACCTGTCGGCGCCTTTCGAGCAGTACTCCCC[G>A]GGTGGCCAGGACACCCCCAGCTCCAGCTCCTCAGGGGACGACTCCGTGTTTGCCCACGAC-3'
Protein context (NP_000133.1, residues 762-782): DLSAPFEQYS[Pro772=]GGQDTPSSSS

ClinVar aggregate classification (germline): Likely benign. Review status: criteria provided, multiple submitters, no conflicts (2 of 4 stars). 3 submissions from 3 submitters: Likely benign (3). Last evaluated 2025-12-19.

Allele frequency attached by ClinVar (database versions not stated): TOPMed 0.00003; gnomAD 0.00004 and 0.00005; 1000 Genomes Project 0.00040; 1000 Genomes Project 30x 0.00047.

Submissions (3):

Labcorp Genetics (formerly Invitae), Labcorp
Classification: Likely benign. Last evaluated: 2025-12-19. Review status: criteria provided, single submitter. Criteria: Invitae Variant Classification Sherloc (09022015). Collection method: clinical testing. Allele origin: germline.

Dasa
Classification: Likely benign. Last evaluated: 2025-11-25. Review status: criteria provided, single submitter. Criteria: DASA Assertion Criteria. Collection method: clinical testing. Allele origin: germline.
Comment: NM_001354810.2(FGFR3):c.2248G>A (p.Gly750Arg) is a missense variant that results in the substitution of glycine with arginine. Computational prediction algorithms are consistent with a benign effect. Therefore, based on the currently available evidence, this variant is classified as likely benign.

CeGaT Center for Human Genetics Tuebingen
Classification: Likely benign. Last evaluated: 2022-10-01. Review status: criteria provided, single submitter. Criteria: CeGaT Center For Human Genetics Tuebingen Variant Classification Criteria Version 2. Collection method: clinical testing. Allele origin: germline. Affected: yes. Observed: 1 variant allele.
Comment: FGFR3: BP4